The following is an entry in ClinVar:

ClinVar aggregate classification (germline): Pathogenic (1 of 4 stars; one submission).

Conditions:
Autosomal dominant polycystic kidney disease. Identifiers: Orphanet 730, MedGen C0085413, MONDO:0004691.

Submission:

Labcorp Genetics (formerly Invitae), Labcorp
Classification: Pathogenic for Autosomal dominant polycystic kidney disease. Last evaluated: 2018-05-30. Review status: criteria provided, single submitter. Criteria: Invitae Variant Classification Sherloc (09022015). Collection method: clinical testing. Allele origin: germline.
Comment: This variant has not been reported in the literature in individuals with PKD2-related disease. This sequence change creates a premature translational stop signal (p.Gly148Alafs*85) in the PKD2 gene. It is expected to result in an absent or disrupted protein product. While this variant is not present in population databases, the frequency information is unreliable, as metrics indicate poor data quality at this position in the ExAC database. Loss-of-function variants in PKD2 are known to be pathogenic (PMID: 17582161, 22863349). For these reasons, this variant has been classified as Pathogenic.

Literature cited by the submitters: PubMed 17582161; PubMed 22863349.

NM_000297.4(PKD2):c.443del (p.Gly148fs)

Genes: PKD2 (polycystin 2, transient receptor potential cation channel; plus strand), LOC129992813 (ATAC-STARR-seq lymphoblastoid silent region 15559; plus strand). Cytogenetic location: 4q22.1.
Variant type: Deletion.
Coding change: c.443del on transcript NM_000297.4 (MANE Select); coding-DNA position 443, one base deleted (G; older notation c.443delG).
Protein change: p.Gly148fs; shifts the reading frame from glycine 148.
Molecular consequence: frameshift variant. On other transcripts: non-coding transcript variant (1).
Genome position (GRCh38, 1-based): chr4:88,008,176, G deleted; the last of 3 consecutive G bases (chr4:88,008,174-88,008,176); deleting any one gives the same sequence. VCF-style (leftmost placement, unchanged base first): chr4-88008173-CG-C. GRCh37 (hg19) VCF-style: chr4-88929325-CG-C.
Other names: short protein forms G148fs.
Identifiers: ClinVar variation 577770 (VCV000577770.7), dbSNP rs1560592253, ClinGen allele CA891843016.